The following is an entry in ClinVar:

NM_004237.4(TRIP13):c.720_723del (p.Ile240fs)

Gene: TRIP13 (thyroid hormone receptor interactor 13; plus strand). Cytogenetic location: 5p15.33.
Variant type: Microsatellite.
Coding change: c.720_723del on transcript NM_004237.4 (MANE Select); coding-DNA positions 720 to 723, 4 bases deleted (TGAT; older notation c.720_723delTGAT).
Protein change: p.Ile240fs; shifts the reading frame from isoleucine 240.
Molecular consequence: frameshift variant.
Genome position (GRCh38, 1-based): chr5:908,035-908,038, TGAT deleted; deleting any 4 consecutive bases within chr5:908,030-908,038 gives the same sequence; the c. name uses the placement nearest the transcript's 3' end. VCF-style (leftmost placement, unchanged base first): chr5-908029-TTTGA-T. GRCh37 (hg19) VCF-style: chr5-908144-TTTGA-T.
Other names: c.720_723del, p.Ile240fs (NM_001166260.2); short protein forms I240fs.
Identifiers: ClinVar variation 3723852 (VCV003723852.2).

ClinVar aggregate classification (germline): Pathogenic (1 of 4 stars; one submission).

Submission:

Labcorp Genetics (formerly Invitae), Labcorp
Classification: Pathogenic. Last evaluated: 2024-10-27. Review status: criteria provided, single submitter. Criteria: Invitae Variant Classification Sherloc (09022015). Collection method: clinical testing. Allele origin: germline.
Comment: This sequence change creates a premature translational stop signal (p.Ile240Metfs*10) in the TRIP13 gene. It is expected to result in an absent or disrupted protein product. Loss-of-function variants in TRIP13 are known to be pathogenic (PMID: 28553959). This variant is not present in population databases (gnomAD no frequency). This variant has not been reported in the literature in individuals affected with TRIP13-related conditions. For these reasons, this variant has been classified as Pathogenic.

Literature cited by the submitters: PubMed 28553959.